The following is an entry in ClinVar:

NM_005921.2(MAP3K1):c.1637C>T (p.Thr546Ile)

Gene: MAP3K1 (mitogen-activated protein kinase kinase kinase 1; plus strand). Cytogenetic location: 5q11.2.
Variant type: single nucleotide variant.
Coding change: c.1637C>T on transcript NM_005921.2 (MANE Select); coding-DNA position 1637, C replaced by T.
Protein change: p.Thr546Ile; replaces threonine 546 with isoleucine.
Molecular consequence: missense variant.
Genome position (GRCh38, 1-based): chr5:56,872,956, C>T. VCF-style: chr5-56872956-C-T. GRCh37 (hg19) VCF-style: chr5-56168783-C-T.
Other names: short protein forms T546I.
Identifiers: ClinVar variation 3631083 (VCV003631083.2).

ClinVar aggregate classification (germline): Uncertain significance (1 of 4 stars; one submission).

Conditions:
46,XY sex reversal 6. Also called: 46,XY SEX REVERSAL, PARTIAL OR COMPLETE, MAP3K1-RELATED; 46,XY GONADAL DYSGENESIS, PARTIAL OR COMPLETE, MAP3K1-RELATED. Identifiers: MedGen C3151064, MONDO:0013410, OMIM 613762.

gnomAD v4.1: 15 of 1,614,100 alleles (0.00093%); highest among the groups gnomAD compares: Non-Finnish European, 0.0012%; no homozygotes.

Submission:

Labcorp Genetics (formerly Invitae), Labcorp
Classification: Uncertain significance for 46,XY sex reversal 6. Last evaluated: 2024-12-24. Review status: criteria provided, single submitter. Criteria: Invitae Variant Classification Sherloc (09022015). Collection method: clinical testing. Allele origin: germline.
Comment: This sequence change replaces threonine, which is neutral and polar, with isoleucine, which is neutral and non-polar, at codon 546 of the MAP3K1 protein (p.Thr546Ile). This variant is not present in population databases (gnomAD no frequency). This variant has not been reported in the literature in individuals affected with MAP3K1-related conditions. Invitae Evidence Modeling of protein sequence and biophysical properties (such as structural, functional, and spatial information, amino acid conservation, physicochemical variation, residue mobility, and thermodynamic stability) indicates that this missense variant is not expected to disrupt MAP3K1 protein function with a negative predictive value of 80%. In summary, the available evidence is currently insufficient to determine the role of this variant in disease. Therefore, it has been classified as a Variant of Uncertain Significance.